The following is an entry in ClinVar:

ClinVar aggregate classification (germline): Pathogenic (0 of 4 stars; one submission).

Conditions:
Diamond-Blackfan anemia 1 (DBA1). Also called: RPS19-Related Diamond-Blackfan Anemia; BLACKFAN-DIAMOND SYNDROME; ANEMIA, CONGENITAL HYPOPLASTIC, OF BLACKFAN AND DIAMOND; ANEMIA, CONGENITAL ERYTHROID HYPOPLASTIC; RED CELL APLASIA, PURE, HEREDITARY; AREGENERATIVE ANEMIA, CHRONIC CONGENITAL. Identifiers: Orphanet 124, MedGen C2676137, MONDO:0007110, OMIM 105650.

Submission:

Foundation for Research in Genetics and Endocrinology, FRIGE's Institute of Human Genetics
Classification: Pathogenic for Diamond-Blackfan anemia 1. Last evaluated: 2018-09-18. Review status: no assertion criteria provided. Collection method: clinical testing. Allele origin: germline. Inheritance: Autosomal dominant inheritance. Affected: yes. Observed: 1 heterozygote.
Comment: The observed variant c.367_368dup (p.Thr124Ter) has not been reported in 1000 Genomes and ExAC databases. The variant was found to be disease causing by MutationTaster2.

NM_001022.4(RPS19):c.367_368dup (p.Leu123_Thr124insTer)

Genes: RPS19 (ribosomal protein S19; plus strand), RPS19-CD79A (RPS19-CD79A readthrough; plus strand). Cytogenetic location: 19q13.2.
Variant type: Duplication.
Coding change: c.367_368dup on transcript NM_001022.4 (MANE Select); coding-DNA positions 367 to 368, 2 bases duplicated (CT; older notation c.367_368dupCT).
Protein change: p.Leu123_Thr124insTer.
Molecular consequence: frameshift variant.
Genome position (GRCh38, 1-based): chr19:41,869,709-41,869,710, CT duplicated. VCF-style (leftmost placement, unchanged base first): chr19-41869708-A-ACT. GRCh37 (hg19) VCF-style: chr19-42373778-A-ACT.
Other names: c.367_368dup, p.Leu123_Thr124insTer (NM_001321483.2, NM_001321484.2); c.380_381dup, p.Asp128fs (NM_001321485.2); short protein forms D128fs.
Identifiers: ClinVar variation 587695 (VCV000587695.2), dbSNP rs1568796003, ClinGen allele CA891844020.
Genomic context (GRCh38, chr19:41,869,708, plus strand): 5'-AGAACAGGACCTGTGCTCACTGGGGCCTGCATGACCCTTCCCTCCCCACAGCGGCCGCAA[A>ACT]CTGACACCTCAGGGACAAAGAGATCTGGACAGAATCGCCGGACAGGTAAGGCCTGCGTTT-3'